The following is an entry in ClinVar:

ClinVar aggregate classification (germline): Uncertain significance. Review status: criteria provided, multiple submitters, no conflicts (2 of 4 stars). 2 submissions from 2 submitters: Uncertain significance (2). Last evaluated 2024-02-13.

Conditions:
Inborn genetic diseases. Identifiers: MedGen C0950123, MeSH D030342.

Allele frequency attached by ClinVar (database versions not stated): ExAC 0.00001; gnomAD exomes 0.00001; gnomAD 0.00005; TOPMed 0.00007.

Submissions (2):

Ambry Genetics
Classification: Uncertain significance for Inborn genetic diseases. Last evaluated: 2024-02-13. Review status: criteria provided, single submitter. Criteria: Ambry Variant Classification Scheme 2023. Collection method: clinical testing. Allele origin: germline.

Labcorp Genetics (formerly Invitae), Labcorp
Classification: Uncertain significance. Last evaluated: 2022-07-14. Review status: criteria provided, single submitter. Criteria: Invitae Variant Classification Sherloc (09022015). Collection method: clinical testing. Allele origin: germline.
Comment: This sequence change replaces methionine, which is neutral and non-polar, with isoleucine, which is neutral and non-polar, at codon 1298 of the SPEG protein (p.Met1298Ile). This variant is present in population databases (rs760374180, gnomAD 0.02%). This variant has not been reported in the literature in individuals affected with SPEG-related conditions. Algorithms developed to predict the effect of missense changes on protein structure and function (SIFT, PolyPhen-2, Align-GVGD) all suggest that this variant is likely to be tolerated. In summary, the available evidence is currently insufficient to determine the role of this variant in disease. Therefore, it has been classified as a Variant of Uncertain Significance.

NM_005876.5(SPEG):c.3894G>A (p.Met1298Ile)

Gene: SPEG (striated muscle enriched protein kinase; plus strand). Cytogenetic location: 2q35.
Variant type: single nucleotide variant.
Coding change: c.3894G>A on transcript NM_005876.5 (MANE Select); coding-DNA position 3894, G replaced by A.
Protein change: p.Met1298Ile; replaces methionine 1298 with isoleucine.
Molecular consequence: missense variant.
Genome position (GRCh38, 1-based): chr2:219,472,285, G>A. VCF-style: chr2-219472285-G-A. GRCh37 (hg19) VCF-style: chr2-220337007-G-A.
Other names: c.3894G>A (NM_005876.4); short protein forms M1298I.
Identifiers: ClinVar variation 1986108 (VCV001986108.2), dbSNP rs760374180, ClinGen allele CA2126328.
Genomic context (GRCh38, chr2:219,472,285, plus strand): 5'-AGATGTGGTCCCAGGCCCTCCAGATGGCGCCCCGCAGGTGGTGGCTGTGACGGGGAGGAT[G>A]GTCACACTCACATGGAACCCCCCCAGGAGTCTGGACATGGCCATCGGTGGGTCAGGGCTG-3'
Protein context (NP_005867.3, residues 1288-1308): APQVVAVTGR[Met1298Ile]VTLTWNPPRS